The following is an entry in ClinVar:

NM_016239.4(MYO15A):c.7256_7259dup (p.Gln2421fs)

Gene: MYO15A (myosin XVA; plus strand). Cytogenetic location: 17p11.2.
Variant type: Duplication.
Coding change: c.7256_7259dup on transcript NM_016239.4 (MANE Select); coding-DNA positions 7256 to 7259, 4 bases duplicated (GAGG; older notation c.7256_7259dupGAGG).
Protein change: p.Gln2421fs; shifts the reading frame from glutamine 2421.
Molecular consequence: frameshift variant.
Genome position (GRCh38, 1-based): chr17:18,150,472-18,150,475, GAGG duplicated; duplicating any 4 consecutive bases within chr17:18,150,470-18,150,475 gives the same sequence; the c. name uses the placement nearest the transcript's 3' end. VCF-style (leftmost placement, unchanged base first): chr17-18150469-G-GGGGA. GRCh37 (hg19) VCF-style: chr17-18053783-G-GGGGA.
Other names: short protein forms Q2421fs.
Identifiers: ClinVar variation 2753362 (VCV002753362.3), dbSNP rs2545283571, ClinGen allele CA2697559489.

ClinVar aggregate classification (germline): Pathogenic (1 of 4 stars; one submission).

Submission:

Labcorp Genetics (formerly Invitae), Labcorp
Classification: Pathogenic. Last evaluated: 2023-08-17. Review status: criteria provided, single submitter. Criteria: Invitae Variant Classification Sherloc (09022015). Collection method: clinical testing. Allele origin: germline.
Comment: For these reasons, this variant has been classified as Pathogenic. Algorithms developed to predict the effect of sequence changes on RNA splicing suggest that this variant may disrupt the consensus splice site. This variant has not been reported in the literature in individuals affected with MYO15A-related conditions. This variant is not present in population databases (gnomAD no frequency). This sequence change creates a premature translational stop signal (p.Gln2421Argfs*9) in the MYO15A gene. It is expected to result in an absent or disrupted protein product. Loss-of-function variants in MYO15A are known to be pathogenic (PMID: 17546645).

Literature cited by the submitters: PubMed 17546645.